The following is an entry in ClinVar:

NM_001377137.1(GBF1):c.764C>T (p.Thr255Ile)

Gene: GBF1 (golgi brefeldin A resistant guanine nucleotide exchange factor 1; plus strand). Cytogenetic location: 10q24.32.
Variant type: single nucleotide variant.
Coding change: c.764C>T on transcript NM_001377137.1 (MANE Select); coding-DNA position 764, C replaced by T.
Protein change: p.Thr255Ile; replaces threonine 255 with isoleucine.
Molecular consequence: missense variant. On other transcripts: non-coding transcript variant (5).
Genome position (GRCh38, 1-based): chr10:102,358,163, C>T. VCF-style: chr10-102358163-C-T. GRCh37 (hg19) VCF-style: chr10-104117920-C-T.
Other names: c.764C>T, p.Thr255Ile (NM_001199378.2, NM_001199379.2, NM_001377138.1 and 13 more transcripts); c.863C>T, p.Thr288Ile (NM_001391922.1, NM_001411027.1); c.839C>T, p.Thr280Ile (NM_001411003.1); short protein forms T288I, T280I, T255I.
Identifiers: ClinVar variation 2288811 (VCV002288811.4), dbSNP rs1324449144, ClinGen allele CA377836126.

ClinVar aggregate classification (germline): Uncertain significance. Review status: criteria provided, multiple submitters, no conflicts (2 of 4 stars). 2 submissions from 2 submitters: Uncertain significance (2). Last evaluated 2025-01-07.

gnomAD v4.1: 2 of 1,613,844 alleles (0.00012%); highest among the groups gnomAD compares: Non-Finnish European, 0.000085%; no homozygotes.

Submissions (2):

Women's Health and Genetics/Laboratory Corporation of America, LabCorp
Classification: Uncertain significance. Last evaluated: 2025-01-07. Review status: criteria provided, single submitter. Criteria: LabCorp Variant Classification Summary - May 2015. Collection method: clinical testing. Allele origin: germline.
Comment: Variant summary: GBF1 c.764C>T (p.Thr255Ile) results in a non-conservative amino acid change in the encoded protein sequence. Four of five in-silico tools predict a benign effect of the variant on protein function. The variant was absent in 251316 control chromosomes. The available data on variant occurrences in the general population are insufficient to allow any conclusion about variant significance. To our knowledge, no occurrence of c.764C>T in individuals affected with Charcot-Marie-Tooth Disease, axonal, type 2GG and no experimental evidence demonstrating its impact on protein function have been reported. ClinVar contains an entry for this variant (Variation ID: 2288811). Based on the evidence outlined above, the variant was classified as uncertain significance.

Ambry Genetics
Classification: Uncertain significance. Last evaluated: 2022-05-11. Review status: criteria provided, single submitter. Criteria: Ambry Variant Classification Scheme 2023. Collection method: clinical testing. Allele origin: germline.